The following is an entry in ClinVar:

ClinVar aggregate classification (germline): Uncertain significance (1 of 4 stars; one submission).

gnomAD v4.1: 28 of 1,613,106 alleles (0.0017%); highest among the groups gnomAD compares: Middle Eastern, 0.016%; no homozygotes.

Submission:

Labcorp Genetics (formerly Invitae), Labcorp
Classification: Uncertain significance. Last evaluated: 2025-12-10. Review status: criteria provided, single submitter. Criteria: Invitae Variant Classification Sherloc (09022015). Collection method: clinical testing. Allele origin: germline.
Comment: This sequence change replaces arginine, which is basic and polar, with histidine, which is basic and polar, at codon 161 of the IL18BP protein (p.Arg161His). This variant is present in population databases (rs200480287, gnomAD 0.005%). This variant has not been reported in the literature in individuals affected with IL18BP-related conditions. ClinVar contains an entry for this variant (Variation ID: 2069595). An algorithm developed to predict the effect of missense changes on protein structure and function outputs the following: PolyPhen-2: "Benign". The histidine amino acid residue is found in multiple mammalian species, which suggests that this missense change does not adversely affect protein function. In summary, the available evidence is currently insufficient to determine the role of this variant in disease. Therefore, it has been classified as a Variant of Uncertain Significance.

NM_001039660.2(IL18BP):c.482G>A (p.Arg161His)

Gene: IL18BP (interleukin 18 binding protein; plus strand). Cytogenetic location: 11q13.4.
Variant type: single nucleotide variant.
Coding change: c.482G>A on transcript NM_001039660.2 (MANE Select); coding-DNA position 482, G replaced by A.
Protein change: p.Arg161His; replaces arginine 161 with histidine.
Molecular consequence: missense variant. On other transcripts: intron variant (2).
Genome position (GRCh38, 1-based): chr11:72,001,527, G>A. VCF-style: chr11-72001527-G-A. GRCh37 (hg19) VCF-style: chr11-71712573-G-A.
Other names: c.482G>A, p.Arg161His (NM_001039659.2, NM_001145057.1, NM_005699.3 and 1 more transcripts); c.379+103G>A (NM_173044.3); c.236-257G>A (NM_001145055.1); short protein forms R161H.
Identifiers: ClinVar variation 2069595 (VCV002069595.4), dbSNP rs200480287, ClinGen allele CA6166252.